The following is an entry in ClinVar:

ClinVar aggregate classification (germline): Uncertain significance (1 of 4 stars; one submission).

Submission:

Women's Health and Genetics/Laboratory Corporation of America, LabCorp
Classification: Uncertain significance. Last evaluated: 2024-12-02. Review status: criteria provided, single submitter. Criteria: LabCorp Variant Classification Summary - May 2015. Collection method: clinical testing. Allele origin: germline.
Comment: Variant summary: SYNE2 c.6909T>G (p.Asp2303Glu) results in a conservative amino acid change in the encoded protein sequence. Five of five in-silico tools predict a benign effect of the variant on protein function. The variant was absent in 249236 control chromosomes. The available data on variant occurrences in the general population are insufficient to allow any conclusion about variant significance. To our knowledge, no occurrence of c.6909T>G in individuals affected with Emery-Dreifuss muscular dystrophy 5, autosomal dominant and no experimental evidence demonstrating its impact on protein function have been reported. No submitters have cited clinical-significance assessments for this variant to ClinVar. Based on the evidence outlined above, the variant was classified as uncertain significance.

NM_182914.3(SYNE2):c.6909T>G (p.Asp2303Glu)

Gene: SYNE2 (spectrin repeat containing nuclear envelope protein 2; plus strand). Cytogenetic location: 14q23.2.
Variant type: single nucleotide variant.
Coding change: c.6909T>G on transcript NM_182914.3 (MANE Select); coding-DNA position 6909, T replaced by G.
Protein change: p.Asp2303Glu; replaces aspartic acid 2303 with glutamic acid.
Molecular consequence: missense variant.
Genome position (GRCh38, 1-based): chr14:64,031,045, T>G. VCF-style: chr14-64031045-T-G. GRCh37 (hg19) VCF-style: chr14-64497763-T-G.
Other names: c.6909T>G, p.Asp2303Glu (NM_015180.6); short protein forms D2303E.
Identifiers: ClinVar variation 3768378 (VCV003768378.1).